The following is an entry in ClinVar:

ClinVar aggregate classification (germline): Pathogenic (1 of 4 stars; one submission).

Submission:

Labcorp Genetics (formerly Invitae), Labcorp
Classification: Pathogenic. Last evaluated: 2023-10-15. Review status: criteria provided, single submitter. Criteria: Invitae Variant Classification Sherloc (09022015). Collection method: clinical testing. Allele origin: germline.
Comment: This sequence change creates a premature translational stop signal (p.Tyr3601*) in the FRAS1 gene. It is expected to result in an absent or disrupted protein product. Loss-of-function variants in FRAS1 are known to be pathogenic (PMID: 12766769, 18671281). This variant is not present in population databases (gnomAD no frequency). This variant has not been reported in the literature in individuals affected with FRAS1-related conditions. For these reasons, this variant has been classified as Pathogenic.

Literature cited by the submitters: PubMed 12766769; PubMed 18671281.

NM_025074.7(FRAS1):c.10803T>G (p.Tyr3601Ter)

Gene: FRAS1 (Fraser extracellular matrix complex subunit 1; plus strand). Cytogenetic location: 4q21.21.
Variant type: single nucleotide variant.
Coding change: c.10803T>G on transcript NM_025074.7 (MANE Select); coding-DNA position 10803, T replaced by G.
Protein change: p.Tyr3601Ter; replaces tyrosine 3601 with a stop codon.
Molecular consequence: nonsense.
Genome position (GRCh38, 1-based): chr4:78,522,803, T>G. VCF-style: chr4-78522803-T-G. GRCh37 (hg19) VCF-style: chr4-79443957-T-G.
Other names: short protein forms Y3601*.
Identifiers: ClinVar variation 2768684 (VCV002768684.3), dbSNP rs1224934895, ClinGen allele CA357391803.